The following is an entry in ClinVar:

ClinVar aggregate classification (germline): Uncertain significance (1 of 4 stars; one submission).

Submission:

GeneDx
Classification: Uncertain significance. Last evaluated: 2023-07-24. Review status: criteria provided, single submitter. Criteria: GeneDx Variant Classification Process June 2021. Collection method: clinical testing. Allele origin: germline. Affected: yes.
Comment: Not observed at significant frequency in large population cohorts (gnomAD); Has not been previously published as pathogenic or benign to our knowledge; Initiation codon variant in a gene for which loss-of-function is not a known mechanism of disease

NM_004699.4(FAM50A):c.2T>C (p.Met1Thr)

Gene: FAM50A (family with sequence similarity 50 member A; plus strand). Cytogenetic location: Xq28.
Variant type: single nucleotide variant.
Coding change: c.2T>C on transcript NM_004699.4 (MANE Select); coding-DNA position 2, T replaced by C.
Protein change: p.Met1Thr; changes the start codon (methionine 1).
Molecular consequence: missense variant, initiator codon variant.
Genome position (GRCh38, 1-based): chrX:154,444,237, T>C. VCF-style: chrX-154444237-T-C. GRCh37 (hg19) VCF-style: chrX-153672584-T-C.
Other names: short protein forms M1T.
Identifiers: ClinVar variation 3361490 (VCV003361490.1).